The following is an entry in ClinVar:

ClinVar aggregate classification (germline): Benign. Review status: criteria provided, multiple submitters, no conflicts (2 of 4 stars). 4 submissions from 4 submitters: Benign (4). Last evaluated 2018-07-09.

Conditions:
Autosomal recessive nonsyndromic hearing loss 16. Also called: DFNB16 Nonsyndromic Hearing Loss and Deafness; DEAFNESS, AUTOSOMAL RECESSIVE 16. Identifiers: Orphanet 90636, MedGen C1863561, MONDO:0011364, OMIM 603720.

Allele frequency attached by ClinVar (database versions not stated): gnomAD exomes 0.00450 and 0.00153; ExAC 0.00557; ESP Exome Variant Server 0.02017; gnomAD 0.01748 and 0.01824; 1000 Genomes Project 0.02835; 1000 Genomes Project 30x 0.03014; TOPMed 0.01846.
gnomAD v4.1: 5,041 of 1,613,584 alleles (0.31%); highest among the groups gnomAD compares: African/African-American, 5.9%; 201 homozygotes.

Submissions (4):

GeneDx
Classification: Benign. Last evaluated: 2018-07-09. Review status: criteria provided, single submitter. Criteria: GeneDx Variant Classification Process June 2021. Collection method: clinical testing. Allele origin: germline. Affected: yes.

Laboratory for Molecular Medicine, Mass General Brigham Personalized Medicine
Classification: Benign. Last evaluated: 2012-04-30. Review status: criteria provided, single submitter. Criteria: LMM Criteria. Collection method: clinical testing. Allele origin: germline. Observed: 17 variant alleles.
Comment: Leu1345Leu in Exon 20 of STRC: This variant is not expected to have clinical sig nificance because it does not alter an amino acid residue, is not located within the splice consensus sequence, and has been identified in 5.8% (215/3738) of Af rican American chromosomes from a broad population by the NHLBI Exome Sequencing Project (dbSNP rs143345370).

Breakthrough Genomics
Classification: Benign. Review status: criteria provided, single submitter. Criteria: ACMG Guidelines, 2015. Collection method: not provided. Allele origin: germline. Inheritance: Autosomal recessive inheritance. Affected: yes.

Genome-Nilou Lab
Classification: Benign for Autosomal recessive nonsyndromic hearing loss 16. Review status: criteria provided, single submitter. Criteria: ACMG Guidelines, 2015. Collection method: clinical testing. Allele origin: germline.

NM_153700.2(STRC):c.4035G>C (p.Leu1345=)

Gene: STRC (stereocilin; minus strand). Cytogenetic location: 15q15.3.
Variant type: single nucleotide variant.
Coding change: c.4035G>C on transcript NM_153700.2 (MANE Select); coding-DNA position 4035, G replaced by C.
Protein change: p.Leu1345=; no amino-acid change (leucine 1345 retained).
Molecular consequence: synonymous variant.
Genome position (GRCh38, 1-based): chr15:43,604,742, C>G on the plus strand (G>C on the coding strand, the complement: STRC is on the minus strand). VCF-style: chr15-43604742-C-G. GRCh37 (hg19) VCF-style: chr15-43896940-C-G.
Identifiers: ClinVar variation 165307 (VCV000165307.9), dbSNP rs143345370, ClinGen allele CA178045.